The following is an entry in ClinVar:

NM_017617.5(NOTCH1):c.4543C>T (p.Leu1515Phe)

Gene: NOTCH1 (notch receptor 1; minus strand). Cytogenetic location: 9q34.3.
Variant type: single nucleotide variant.
Coding change: c.4543C>T on transcript NM_017617.5 (MANE Select); coding-DNA position 4543, C replaced by T.
Protein change: p.Leu1515Phe; replaces leucine 1515 with phenylalanine.
Molecular consequence: missense variant.
Genome position (GRCh38, 1-based): chr9:136,505,353, G>A on the plus strand (C>T on the coding strand, the complement: NOTCH1 is on the minus strand). VCF-style: chr9-136505353-G-A. GRCh37 (hg19) VCF-style: chr9-139399805-G-A.
Other names: c.4543C>T (NM_017617.4, NM_017617.3); short protein forms L1515F.
Identifiers: ClinVar variation 1426193 (VCV001426193.9), dbSNP rs765839822, ClinGen allele CA5340599.
Genomic context (GRCh38, chr9:136,505,353, plus strand): 5'-GAGCCCCGCAGCCTTACTTGCACTGGCCTTCCGCACGCTGGCAGTCAAAGCCGTCGAAGA[G>A]GCAGCCGGCTGAGTTGCACTGGCTGTCACAGTGGCCGTCACTGAAGTACTTCCAGCACTG-3'
Protein context (NP_060087.3, residues 1505-1525): CDSQCNSAGC[Leu1515Phe]FDGFDCQRAE

ClinVar aggregate classification (germline): Conflicting classifications of pathogenicity. Review status: criteria provided, conflicting classifications (1 of 4 stars). 4 submissions from 4 submitters: Uncertain significance (3); Benign (1). Last evaluated 2025-12-21.

Conditions:
Adams-Oliver syndrome 5 (AOS5). Identifiers: Orphanet 974, MedGen C4014970, MONDO:0014459, OMIM 616028.
NOTCH1-related disorder. Also called: NOTCH1-related disorders; NOTCH1-related condition.
Familial thoracic aortic aneurysm and aortic dissection (TAAD). Also called: Thoracic aortic aneurysms and dissections. Identifiers: Orphanet 91387, MedGen C4707243, MONDO:0019625.

Allele frequency attached by ClinVar (database versions not stated): gnomAD exomes 0.00001 and 0.00002; TOPMed 0.00001; ExAC 0.00007.
gnomAD v4.1: 4 of 1,605,530 alleles (0.00025%); highest among the groups gnomAD compares: Admixed American, 0.0068%; no homozygotes.

Submissions (4):

PreventionGenetics, part of Exact Sciences
Classification: Uncertain significance for NOTCH1-related condition. Last evaluated: 2025-12-21. Review status: criteria provided, single submitter. Criteria: ACMG Guidelines, 2015. Collection method: clinical testing. Allele origin: germline.
Comment: The NOTCH1 c.4543C>T variant is predicted to result in the amino acid substitution p.Leu1515Phe. To our knowledge, this variant has not been reported in the literature. This variant is reported in 0.015% of alleles in individuals of Latino descent in gnomAD. Although we suspect that this variant may be benign, at this time, the clinical significance of this variant is uncertain due to the absence of conclusive functional and genetic evidence.

Labcorp Genetics (formerly Invitae), Labcorp
Classification: Benign for Adams-Oliver syndrome 5. Last evaluated: 2025-07-27. Review status: criteria provided, single submitter. Criteria: Invitae Variant Classification Sherloc (09022015). Collection method: clinical testing. Allele origin: germline.

Ambry Genetics
Classification: Uncertain significance for Familial thoracic aortic aneurysm and aortic dissection. Last evaluated: 2024-04-26. Review status: criteria provided, single submitter. Criteria: Ambry Variant Classification Scheme 2023. Collection method: clinical testing. Allele origin: germline.
Comment: The p.L1515F variant (also known as c.4543C>T), located in coding exon 25 of the NOTCH1 gene, results from a C to T substitution at nucleotide position 4543. The leucine at codon 1515 is replaced by phenylalanine, an amino acid with highly similar properties. This amino acid position is conserved. In addition, the in silico prediction for this alteration is inconclusive. Based on the available evidence, the clinical significance of this variant remains unclear.

Women's Health and Genetics/Laboratory Corporation of America, LabCorp
Classification: Uncertain significance. Last evaluated: 2023-08-10. Review status: criteria provided, single submitter. Criteria: LabCorp Variant Classification Summary - May 2015. Collection method: clinical testing. Allele origin: germline.